The following is an entry in ClinVar:

NM_015272.5(RPGRIP1L):c.1464T>G (p.Asn488Lys)

Gene: RPGRIP1L (RPGRIP1 like; minus strand). Cytogenetic location: 16q12.2.
Variant type: single nucleotide variant.
Coding change: c.1464T>G on transcript NM_015272.5 (MANE Select); coding-DNA position 1464, T replaced by G.
Protein change: p.Asn488Lys; replaces asparagine 488 with lysine.
Molecular consequence: missense variant.
Genome position (GRCh38, 1-based): chr16:53,657,570, A>C on the plus strand (T>G on the coding strand, the complement: RPGRIP1L is on the minus strand). VCF-style: chr16-53657570-A-C. GRCh37 (hg19) VCF-style: chr16-53691482-A-C.
Other names: c.1464T>G, p.Asn488Lys (NM_001127897.4, NM_001308334.3, NM_001330538.2); short protein forms N488K.
Identifiers: ClinVar variation 4998591 (VCV004998591.1).
Genomic context (GRCh38, chr16:53,657,570, plus strand): 5'-CTCTTGCACCGTTTCTGCATGAGTTGCTTGCAGCTCTCTCATAGAGCGTTCTAGATCTTT[A>C]TTAATTTCACTATCTACTTTCACTAAAAAGGAAAGGTCTCCATTTTTTTGTTCTTTTTGA-3'
Protein context (NP_056087.2, residues 478-498): SFLVKVDSEI[Asn488Lys]KDLERSMREL

ClinVar aggregate classification (germline): Uncertain significance (1 of 4 stars; one submission).

Conditions:
RPGRIP1L-related disorder. Also called: RPGRIP1L-related disorders; RPGRIP1L-related condition. Identifiers: MedGen CN239416.

Submission:

PreventionGenetics, part of Exact Sciences
Classification: Uncertain significance for RPGRIP1L-related condition. Last evaluated: 2025-03-13. Review status: criteria provided, single submitter. Criteria: ACMG Guidelines, 2015. Collection method: clinical testing. Allele origin: germline.
Comment: The RPGRIP1L c.1464T>G variant is predicted to result in the amino acid substitution p.Asn488Lys. To our knowledge, this variant has not been reported in the literature or in a large population database (gnomAD), indicating this variant is rare. At this time, the clinical significance of this variant is uncertain due to the absence of conclusive functional and genetic evidence.